The following is an entry in ClinVar:

ClinVar aggregate classification (germline): Conflicting classifications of pathogenicity. Review status: criteria provided, conflicting classifications (1 of 4 stars). 7 submissions from 7 submitters: Uncertain significance (1); Benign (1); Likely benign (4). 1 of the submissions does not count toward it. Last evaluated 2025-06-04.

Conditions:
MACF1-related disorder. Also called: MACF1-related condition.
Inborn genetic diseases. Identifiers: MedGen C0950123, MeSH D030342.
Lissencephaly 9 with complex brainstem malformation. Identifiers: Orphanet 572013, MedGen C5193029, MONDO:0032677, OMIM 618325.

Allele frequency attached by ClinVar (database versions not stated): gnomAD exomes 0.00012; ExAC 0.00036; 1000 Genomes Project 30x 0.00078; 1000 Genomes Project 0.00100; gnomAD 0.00104; TOPMed 0.00110; ESP Exome Variant Server 0.00154.
gnomAD v4.1: 331 of 1,613,910 alleles (0.021%); highest among the groups gnomAD compares: African/African-American, 0.41%; 3 homozygotes.

Submissions (8):

GeneDx
Classification: Uncertain significance. Last evaluated: 2025-06-04. Review status: criteria provided, single submitter. Criteria: GeneDx Variant Classification Process June 2021. Collection method: clinical testing. Allele origin: germline. Affected: yes.
Comment: In silico analysis supports that this missense variant has a deleterious effect on protein structure/function; Has not been previously published as pathogenic or benign to our knowledge

Labcorp Genetics (formerly Invitae), Labcorp
Classification: Benign. Last evaluated: 2024-11-04. Review status: criteria provided, single submitter. Criteria: Invitae Variant Classification Sherloc (09022015). Collection method: clinical testing. Allele origin: germline.

CeGaT Center for Human Genetics Tuebingen
Classification: Likely benign. Last evaluated: 2024-09-01. Review status: criteria provided, single submitter. Criteria: CeGaT Center For Human Genetics Tuebingen Variant Classification Criteria Version 2. Collection method: clinical testing. Allele origin: germline. Affected: yes. Observed: 1 variant allele.
Comment: MACF1: BP4, BS1

Blueprint Genetics
Classification: Likely benign. Last evaluated: 2024-01-23. Review status: criteria provided, single submitter. Criteria: ACMG Guidelines, 2015. Collection method: clinical testing. Allele origin: germline.

Genome-Nilou Lab
Classification: Likely benign for Lissencephaly 9 with complex brainstem malformation. Last evaluated: 2023-04-11. Review status: criteria provided, single submitter. Criteria: ACMG Guidelines, 2015. Collection method: clinical testing. Allele origin: germline. Affected: no.

Ambry Genetics
Classification: Likely benign for Inborn genetic diseases. Last evaluated: 2021-08-18. Review status: criteria provided, single submitter. Criteria: Ambry Variant Classification Scheme 2023. Collection method: clinical testing. Allele origin: germline.

PreventionGenetics, part of Exact Sciences
Classification: Likely benign for MACF1-related condition. Last evaluated: 2019-10-28. Review status: no assertion criteria provided. Collection method: clinical testing. Allele origin: germline. Not counted in ClinVar's aggregate classification.
Comment: This variant is classified as likely benign based on ACMG/AMP sequence variant interpretation guidelines (Richards et al. 2015 PMID: 25741868, with internal and published modifications).

Dr. Peter K. Rogan Lab, Western University
No classification provided (evidence only). Condition: Cervical cancer. Review status: no classification provided. Collection method: in vitro. Allele origin: not applicable. Functional consequence: retained intron. Not counted in ClinVar's aggregate classification.

NM_001394062.1(MACF1):c.14369C>T (p.Ala4790Val)

Gene: MACF1 (microtubule actin crosslinking factor 1; plus strand). Cytogenetic location: 1p34.3.
Variant type: single nucleotide variant.
Coding change: c.14369C>T on transcript NM_001394062.1 (MANE Select); coding-DNA position 14369, C replaced by T.
Protein change: p.Ala4790Val; replaces alanine 4790 with valine.
Molecular consequence: missense variant.
Genome position (GRCh38, 1-based): chr1:39,387,211, C>T. VCF-style: chr1-39387211-C-T. GRCh37 (hg19) VCF-style: chr1-39852883-C-T.
Other names: c.8183C>T, p.Ala2728Val (NM_012090.5); short protein forms A2728V, A4790V.
Identifiers: ClinVar variation 2067606 (VCV002067606.24), dbSNP rs139258331, ClinGen allele CA782242.